The following is an entry in ClinVar:

NM_001270974.2(HYDIN):c.4875A>G (p.Ser1625=)

Gene: HYDIN (HYDIN axonemal central pair apparatus protein; minus strand). Cytogenetic location: 16q22.2.
Variant type: single nucleotide variant.
Coding change: c.4875A>G on transcript NM_001270974.2 (MANE Select); coding-DNA position 4875, A replaced by G.
Protein change: p.Ser1625=; no amino-acid change (serine 1625 retained).
Molecular consequence: synonymous variant.
Genome position (GRCh38, 1-based): chr16:70,974,568, T>C on the plus strand (A>G on the coding strand, the complement: HYDIN is on the minus strand). VCF-style: chr16-70974568-T-C. GRCh37 (hg19) VCF-style: chr16-71008471-T-C.
Identifiers: ClinVar variation 3771309 (VCV003771309.13).

ClinVar aggregate classification (germline): Likely benign (1 of 4 stars; one submission).

gnomAD v4.1: 12 of 1,600,566 alleles (0.00075%); highest among the groups gnomAD compares: Middle Eastern, 0.052%; no homozygotes.

Submission:

CeGaT Center for Human Genetics Tuebingen
Classification: Likely benign. Last evaluated: 2025-01-01. Review status: criteria provided, single submitter. Criteria: CeGaT Center For Human Genetics Tuebingen Variant Classification Criteria Version 2. Collection method: clinical testing. Allele origin: germline. Affected: yes. Observed: 1 variant allele.
Comment: HYDIN: BP4, BP7